The following is an entry in ClinVar:

NM_002878.4(RAD51D):c.377_480+205del

Genes: RAD51D (RAD51 paralog D; minus strand), RAD51L3-RFFL (RAD51L3-RFFL readthrough; minus strand). Cytogenetic location: 17q12.
Variant type: Deletion.
Coding change: c.377_480+205del on transcript NM_002878.4 (MANE Select); coding-DNA position 377 through 205 bases into the intron after coding-DNA position 480, 309 bases deleted.
Molecular consequence: splice donor variant. On other transcripts: intron variant (1).
Genome position (GRCh38, 1-based): chr17:35,106,783-35,107,091, 309 bases deleted. GRCh37 (hg19): chr17:33,433,805-33,434,113.
Other names: c.145-610_145-302del (NM_133629.3); c.437_540+205del (NM_001142571.2).
Identifiers: ClinVar variation 3642112 (VCV003642112.2).

ClinVar aggregate classification (germline): Likely pathogenic (1 of 4 stars; one submission).

Conditions:
Breast-ovarian cancer, familial, susceptibility to, 4. Identifiers: Orphanet 145, MedGen C3280345, MONDO:0013669, OMIM 614291.

Submission:

Labcorp Genetics (formerly Invitae), Labcorp
Classification: Likely pathogenic for Breast-ovarian cancer, familial, susceptibility to, 4. Last evaluated: 2024-02-19. Review status: criteria provided, single submitter. Criteria: Invitae Variant Classification Sherloc (09022015). Collection method: clinical testing. Allele origin: germline.
Comment: This variant results in the deletion of part of exon 5 (c.377_480+205del) of the RAD51D gene. It is expected to disrupt RNA splicing. Variants that disrupt the donor or acceptor splice site typically lead to a loss of protein function (PMID: 16199547), and loss-of-function variants in RAD51D are known to be pathogenic (PMID: 21822267). This variant is not present in population databases (gnomAD no frequency). This variant has not been reported in the literature in individuals affected with RAD51D-related conditions. In summary, the currently available evidence indicates that the variant is pathogenic, but additional data are needed to prove that conclusively. Therefore, this variant has been classified as Likely Pathogenic.

Literature cited by the submitters: PubMed 16199547; PubMed 21822267.